The following is an entry in ClinVar:

ClinVar aggregate classification (germline): Uncertain significance. Review status: criteria provided, multiple submitters, no conflicts (2 of 4 stars). 5 submissions from 5 submitters: Uncertain significance (4). 1 of the submissions does not count toward it. Last evaluated 2026-04-28.

Conditions:
SMPD1-related disorder. Also called: SMPD1-related condition.
Sphingomyelin/cholesterol lipidosis. Also called: Niemann-Pick disease. Identifiers: MedGen C0028064, MONDO:0001982.

Allele frequency attached by ClinVar (database versions not stated): gnomAD exomes 0.00003 and 0.00011; ExAC 0.00004; gnomAD 0.00008 and 0.00009; TOPMed 0.00009; ESP Exome Variant Server 0.00023.
gnomAD v4.1: 172 of 1,612,656 alleles (0.011%); highest among the groups gnomAD compares: Non-Finnish European, 0.014%; 1 homozygote.

Submissions (5):

PreventionGenetics, part of Exact Sciences
Classification: Uncertain significance for SMPD1-related condition. Last evaluated: 2026-04-28. Review status: criteria provided, single submitter. Criteria: ACMG Guidelines, 2015. Collection method: clinical testing. Allele origin: germline.
Comment: The SMPD1 c.733T>C variant is predicted to result in the amino acid substitution p.Tyr245His. This variant was reported in an individual with Parkinson disease (Table S3, Robak et al. 2017. PubMed ID: 29140481). This variant is reported in 0.0081% of alleles in individuals of African descent in gnomAD. At this time, the clinical significance of this variant is uncertain due to the absence of conclusive functional and genetic evidence.

Women's Health and Genetics/Laboratory Corporation of America, LabCorp
Classification: Uncertain significance. Last evaluated: 2026-04-27. Review status: criteria provided, single submitter. Criteria: LabCorp Variant Classification Summary - May 2015. Collection method: clinical testing. Allele origin: germline.
Comment: Variant summary: SMPD1 c.733T>C (p.Tyr245His) results in a conservative amino acid change located in the Calcineurin-like phosphoesterase domain, ApaH type domain of the encoded protein sequence. Algorithms developed to predict the effect of missense changes on protein structure and function all suggest that this variant is likely to be tolerated. The variant allele was found at a frequency of 2.8e-05 in 248504 control chromosomes. The available data on variant occurrences in the general population are insufficient to allow any conclusion about variant significance. c.733T>C has been reported in the literature in at-least one individual affected with Parkinson's disease (example: Robak_2017) . These report(s) do not provide unequivocal conclusions about association of the variant with Niemann-Pick Disease. To our knowledge, no experimental evidence demonstrating an impact on protein function has been reported. The following publication has been ascertained in the context of this evaluation (PMID: 29140481). ClinVar contains an entry for this variant (Variation ID: 291201). Based on the evidence outlined above, the variant was classified as uncertain significance.

GeneDx
Classification: Uncertain significance. Last evaluated: 2021-02-05. Review status: criteria provided, single submitter. Criteria: GeneDx Variant Classification Process June 2021. Collection method: clinical testing. Allele origin: germline. Affected: yes.
Comment: Not observed at a significant frequency in large population cohorts (Lek et al., 2016); Missense variants in this gene are often considered pathogenic (Stenson et al., 2014); In silico analysis supports that this missense variant does not alter protein structure/function; Reported in association with Parkinson disease (Robak et al., 2017); This variant is associated with the following publications: (PMID: 29140481)

Eurofins Ntd Llc (ga)
Classification: Uncertain significance. Last evaluated: 2016-09-13. Review status: criteria provided, single submitter. Criteria: EGL Classification Definitions 2015. Collection method: clinical testing. Allele origin: germline. Observed: 1 variant allele, 1 heterozygote.

Natera, Inc.
Classification: Uncertain significance for Acid sphingomyelinase deficiency. Last evaluated: 2017-11-15. Review status: no assertion criteria provided. Collection method: clinical testing. Allele origin: germline. Not counted in ClinVar's aggregate classification.

Literature cited by the submitters: PubMed 29140481 (cited by Women's Health and Genetics/Laboratory Corporation of America, LabCorp).

NM_000543.5(SMPD1):c.733T>C (p.Tyr245His)

Gene: SMPD1 (sphingomyelin phosphodiesterase 1; plus strand). Cytogenetic location: 11p15.4.
Variant type: single nucleotide variant.
Coding change: c.733T>C on transcript NM_000543.5 (MANE Select); coding-DNA position 733, T replaced by C.
Protein change: p.Tyr245His; replaces tyrosine 245 with histidine.
Molecular consequence: missense variant. On other transcripts: 5 prime UTR variant (1), non-coding transcript variant (1).
Genome position (GRCh38, 1-based): chr11:6,391,798, T>C. VCF-style: chr11-6391798-T-C. GRCh37 (hg19) VCF-style: chr11-6413028-T-C.
Other names: c.730T>C, p.Tyr244His (NM_001007593.3); c.733T>C, p.Tyr245His (NM_001318087.2, NM_001365135.2); c.-229T>C (NM_001318088.2); short protein forms Y245H, Y244H.
Identifiers: ClinVar variation 291201 (VCV000291201.13), dbSNP rs370178721, ClinGen allele CA5852673.